The following is an entry in ClinVar:

ClinVar aggregate classification (germline): Uncertain significance (1 of 4 stars; one submission).

Submission:

Dasa
Classification: Uncertain significance. Last evaluated: 2024-10-22. Review status: criteria provided, single submitter. Criteria: DASA Assertion Criteria. Collection method: clinical testing. Allele origin: germline.
Comment: NM_001291415.2(KDM6A):c.3724A>G (p.Met1242Val) is a missense variant that results in the substitution of methionine with valine. This variant is absent from population databases. Computational prediction algorithms are consistent with a benign effect. The currently available literature and clinical evidence are not sufficient to establish a definitive association between this variant and the reported condition. Therefore, this variant is classified as a variant of uncertain significance.

NM_001291415.2(KDM6A):c.3724A>G (p.Met1242Val)

Gene: KDM6A (lysine demethylase 6A; plus strand). Cytogenetic location: Xp11.3.
Variant type: single nucleotide variant.
Coding change: c.3724A>G on transcript NM_001291415.2 (MANE Select); coding-DNA position 3724, A replaced by G.
Protein change: p.Met1242Val; replaces methionine 1242 with valine.
Molecular consequence: missense variant. On other transcripts: non-coding transcript variant (1).
Genome position (GRCh38, 1-based): chrX:45,089,762, A>G. VCF-style: chrX-45089762-A-G. GRCh37 (hg19) VCF-style: chrX-44949007-A-G.
Other names: c.2680A>G, p.Met894Val (NM_001291421.2); c.3466A>G, p.Met1156Val (NM_001410742.1, NM_001419814.1); c.3724A>G, p.Met1242Val (NM_001419809.1); c.3622A>G, p.Met1208Val (NM_001419810.1, NM_001419813.1); c.3589A>G, p.Met1197Val (NM_001419811.1, NM_001291416.2); c.3568A>G, p.Met1190Val (NM_001419812.1, NM_021140.4); c.3331A>G, p.Met1111Val (NM_001419815.1, NM_001291418.2); c.3433A>G, p.Met1145Val (NM_001291417.2); short protein forms M1111V, M1145V, M1156V, M1190V, M1197V, M1208V, M1242V, M894V.
Identifiers: ClinVar variation 4885554 (VCV004885554.2).